The following is an entry in ClinVar:

NM_025137.4(SPG11):c.2948A>T (p.Lys983Ile)

Gene: SPG11 (SPG11 vesicle trafficking associated, spatacsin; minus strand). Cytogenetic location: 15q21.1.
Variant type: single nucleotide variant.
Coding change: c.2948A>T on transcript NM_025137.4 (MANE Select); coding-DNA position 2948, A replaced by T.
Protein change: p.Lys983Ile; replaces lysine 983 with isoleucine.
Molecular consequence: missense variant.
Genome position (GRCh38, 1-based): chr15:44,615,453, T>A on the plus strand (A>T on the coding strand, the complement: SPG11 is on the minus strand). VCF-style: chr15-44615453-T-A. GRCh37 (hg19) VCF-style: chr15-44907651-T-A.
Other names: c.2948A>T, p.Lys983Ile (NM_001160227.2); short protein forms K983I.
Identifiers: ClinVar variation 574531 (VCV000574531.7), dbSNP rs765222405, ClinGen allele CA392229414.

ClinVar aggregate classification (germline): Uncertain significance. Review status: criteria provided, multiple submitters, no conflicts (2 of 4 stars). 2 submissions from 2 submitters: Uncertain significance (2). Last evaluated 2025-09-26.

Conditions:
Inborn genetic diseases. Identifiers: MedGen C0950123, MeSH D030342.
Hereditary spastic paraplegia 11. Also called: Spastic paraplegia, mental retardation and thin corpus callosum; SPASTIC PARAPLEGIA, AUTOSOMAL RECESSIVE, COMPLICATED, WITH THIN CORPUS CALLOSUM; SPASTIC PARAPLEGIA, AUTOSOMAL RECESSIVE, WITH MENTAL IMPAIRMENT AND THIN CORPUS CALLOSUM; Nakamura Osame syndrome; Autosomal recessive hereditary spastic paraplegia, mental impairment, and thin corpus callosum; Spastic Paraplegia 11. Identifiers: Orphanet 2822, MedGen C1858479, MONDO:0011445, OMIM 604360.

Allele frequency attached by ClinVar (database versions not stated): TOPMed 0.00002; gnomAD 0.00006.
gnomAD v4.1: 11 of 1,613,990 alleles (0.00068%); highest among the groups gnomAD compares: Non-Finnish European, 0.00085%; no homozygotes.

Submissions (2):

Ambry Genetics
Classification: Uncertain significance for Inborn genetic diseases. Last evaluated: 2025-09-26. Review status: criteria provided, single submitter. Criteria: Ambry Variant Classification Scheme 2023. Collection method: clinical testing. Allele origin: germline.

Labcorp Genetics (formerly Invitae), Labcorp
Classification: Uncertain significance for Hereditary spastic paraplegia 11. Last evaluated: 2021-08-30. Review status: criteria provided, single submitter. Criteria: Invitae Variant Classification Sherloc (09022015). Collection method: clinical testing. Allele origin: germline.
Comment: This sequence change replaces lysine with isoleucine at codon 983 of the SPG11 protein (p.Lys983Ile). The lysine residue is weakly conserved and there is a moderate physicochemical difference between lysine and isoleucine. This variant is not present in population databases (ExAC no frequency). This variant has not been reported in the literature in individuals affected with SPG11-related conditions. Algorithms developed to predict the effect of missense changes on protein structure and function are either unavailable or do not agree on the potential impact of this missense change (SIFT: "Tolerated"; PolyPhen-2: "Possibly Damaging"; Align-GVGD: "Class C0"). In summary, the available evidence is currently insufficient to determine the role of this variant in disease. Therefore, it has been classified as a Variant of Uncertain Significance.